The following is an entry in ClinVar:

NM_000038.6(APC):c.835-6609G>T

Gene: APC (APC regulator of WNT signaling pathway; plus strand). Cytogenetic location: 5q22.2.
Variant type: single nucleotide variant.
Coding change: c.835-6609G>T on transcript NM_000038.6 (MANE Select); 6609 bases into the intron before coding-DNA position 835, G replaced by T.
Molecular consequence: intron variant.
Genome position (GRCh38, 1-based): chr5:112,808,886, G>T. VCF-style: chr5-112808886-G-T. GRCh37 (hg19) VCF-style: chr5-112144583-G-T.
Other names: c.835-6609G>T (NM_001354895.2, NM_001127510.3, NM_001354896.2 and 1 more transcripts); c.865-6609G>T (NM_001354897.2, NM_001354902.2); c.781-6609G>T (NM_001127511.3); c.760-6609G>T (NM_001354898.2, NM_001354904.2); c.-201-1240G>T (NM_001354906.2); c.751-6609G>T (NM_001354899.2); c.658-6609G>T (NM_001354900.2, NM_001354901.2, NM_001354905.2).
Identifiers: ClinVar variation 83072 (VCV000083072.2), dbSNP rs79030635, ClinGen allele CA015356.

ClinVar aggregate classification (germline): other (0 of 4 stars; one submission).

Conditions:
Familial colorectal cancer. Identifiers: MedGen CN280943, MONDO:0023113. Disease mechanism: loss of function.

Submission:

Systems Biology Platform Zhejiang California International NanoSystems Institute
Classification: other for Familial colorectal cancer. Review status: no assertion criteria provided. Collection method: not provided. Allele origin: unknown.
ClinVar note: Converted during submission from cancer to other.